The following is an entry in ClinVar:

ClinVar aggregate classification (germline): Uncertain significance (1 of 4 stars; one submission).

Conditions:
Hereditary cancer-predisposing syndrome. Also called: Tumor predisposition; Hereditary Cancer Syndrome; Hereditary neoplastic syndrome; Neoplastic Syndromes, Hereditary. Identifiers: Orphanet 140162, MedGen C0027672, MeSH D009386, MONDO:0015356.

Submission:

Ambry Genetics
Classification: Uncertain significance for Hereditary cancer-predisposing syndrome. Last evaluated: 2023-08-24. Review status: criteria provided, single submitter. Criteria: Ambry Variant Classification Scheme 2023. Collection method: clinical testing. Allele origin: germline.
Comment: The p.L92H variant (also known as c.275T>A), located in coding exon 2 of the PHOX2B gene, results from a T to A substitution at nucleotide position 275. The leucine at codon 92 is replaced by histidine, an amino acid with similar properties. This amino acid position is highly conserved in available vertebrate species. In addition, this alteration is predicted to be deleterious by in silico analysis. Since supporting evidence is limited at this time, the clinical significance of this alteration remains unclear.

NM_003924.4(PHOX2B):c.275T>A (p.Leu92His)

Gene: PHOX2B (paired like homeobox 2B; minus strand). Cytogenetic location: 4p13.
Variant type: single nucleotide variant.
Coding change: c.275T>A on transcript NM_003924.4 (MANE Select); coding-DNA position 275, T replaced by A.
Protein change: p.Leu92His; replaces leucine 92 with histidine.
Molecular consequence: missense variant.
Genome position (GRCh38, 1-based): chr4:41,747,503, A>T on the plus strand (T>A on the coding strand, the complement: PHOX2B is on the minus strand). VCF-style: chr4-41747503-A-T. GRCh37 (hg19) VCF-style: chr4-41749520-A-T.
Other names: short protein forms L92H.
Identifiers: ClinVar variation 2621340 (VCV002621340.2), dbSNP rs1477680896, ClinGen allele CA356740497.